The following is an entry in ClinVar:

NM_001161352.2(KCNMA1):c.3016+16_3016+17inv

Genes: KCNMA1-AS1 (KCNMA1 antisense RNA 1; plus strand), KCNMA1 (potassium calcium-activated channel subfamily M alpha 1; minus strand). Cytogenetic location: 10q22.3.
Variant type: Inversion.
Coding change: c.3016+16_3016+17inv on transcript NM_001161352.2 (MANE Select).
Molecular consequence: intron variant.
Genome position: GRCh38 VCF-style: chr10-76914919-CT-AG. GRCh37 (hg19) VCF-style: chr10-78674677-CT-AG.
Other names: c.2692+16_2692+17inv (NM_001271518.2); c.2842+16_2842+17inv (NM_001322832.2, NM_001410940.1, NM_002247.4); c.2851+16_2851+17inv (NM_001322829.2, NM_001322836.2, NM_001271519.2); c.2854+16_2854+17inv (NM_001014797.3, NM_001322835.2, NM_001322837.2); c.2863+16_2863+17inv (NM_001322830.2); c.2389+16_2389+17inv (NM_001322838.2); c.2965+16_2965+17inv (NM_001161353.2).
Identifiers: ClinVar variation 2742570 (VCV002742570.3), ClinGen allele CA2697558483.
Genomic context (GRCh38, chr10:76,914,919, plus strand): 5'-TAAACCAACCTCCTCATATCCTGTATGGTTTGAAAGACAGAACAAAAACTCCCCCCAAAG[CT>AG]GACATTGACCCCTACCTAGTTCAGTGATGATGGGGATGTTGACCCCAGTTGTGATGGATG-3'

ClinVar aggregate classification (germline): Uncertain significance (1 of 4 stars; one submission).

Conditions:
Generalized epilepsy-paroxysmal dyskinesia syndrome (PNKD3). Also called: Paroxysmal nonkinesigenic dyskinesia, 3, with or without generalized epilepsy; Generalized epilepsy and paroxysmal dyskinesia. Identifiers: Orphanet 79137, MedGen C5574945, MONDO:0012276, OMIM 609446.

Submission:

Labcorp Genetics (formerly Invitae), Labcorp
Classification: Uncertain significance for Generalized epilepsy-paroxysmal dyskinesia syndrome. Last evaluated: 2023-03-26. Review status: criteria provided, single submitter. Criteria: Invitae Variant Classification Sherloc (09022015). Collection method: clinical testing. Allele origin: germline.
Comment: This sequence change falls in intron 23 of the KCNMA1 gene. It does not directly change the encoded amino acid sequence of the KCNMA1 protein. Information on the frequency of this variant in the gnomAD database is not available, as this variant may be reported differently in the database. This variant has not been reported in the literature in individuals affected with KCNMA1-related conditions. Experimental studies and prediction algorithms are not available or were not evaluated, and the effect of this variant on mRNA splicing is currently unknown. In summary, the available evidence is currently insufficient to determine the role of this variant in disease. Therefore, it has been classified as a Variant of Uncertain Significance.